The following is an entry in ClinVar:

NM_024996.7(GFM1):c.294A>G (p.Arg98=)

Gene: GFM1 (G elongation factor mitochondrial 1; plus strand). Cytogenetic location: 3q25.32.
Variant type: single nucleotide variant.
Coding change: c.294A>G on transcript NM_024996.7 (MANE Select); coding-DNA position 294, A replaced by G.
Protein change: p.Arg98=; no amino-acid change (arginine 98 retained).
Molecular consequence: synonymous variant. On other transcripts: non-coding transcript variant (3), intron variant (4).
Genome position (GRCh38, 1-based): chr3:158,646,224, A>G. VCF-style: chr3-158646224-A-G. GRCh37 (hg19) VCF-style: chr3-158364013-A-G.
Other names: c.294A>G (NM_001308164.1); c.294A>G, p.Arg98= (NM_001308164.2, NM_001308166.2, NM_001374355.1 and 1 more transcripts); c.69A>G, p.Arg23= (NM_001374357.1); c.5+443A>G (NM_001374359.1, NM_001374360.1, NM_001374361.1); c.234+443A>G (NM_001374358.1).
Identifiers: ClinVar variation 797600 (VCV000797600.12), dbSNP rs371977811, ClinGen allele CA86496055.

ClinVar aggregate classification (germline): Likely benign. Review status: criteria provided, multiple submitters, no conflicts (2 of 4 stars). 3 submissions from 3 submitters: Likely benign (3). Last evaluated 2026-08-03.

Conditions:
GFM1-related disorder. Also called: GFM1-related condition.

Allele frequency attached by ClinVar (database versions not stated): gnomAD exomes below 0.00001; gnomAD 0.00001.
gnomAD v4.1: 13 of 1,613,796 alleles (0.00081%); highest among the groups gnomAD compares: East Asian, 0.0045%; 1 homozygote.

Submissions (3):

PreventionGenetics, part of Exact Sciences
Classification: Likely benign for GFM1-related condition. Last evaluated: 2026-08-03. Review status: criteria provided, single submitter. Criteria: ACMG Guidelines, 2015. Collection method: clinical testing. Allele origin: germline.
Comment: This variant is classified as likely benign based on ACMG/AMP sequence variant interpretation guidelines (Richards et al. 2015 PMID: 25741868, with internal and published modifications).

Labcorp Genetics (formerly Invitae), Labcorp
Classification: Likely benign. Last evaluated: 2025-03-03. Review status: criteria provided, single submitter. Criteria: Invitae Variant Classification Sherloc (09022015). Collection method: clinical testing. Allele origin: germline.

Blueprint Genetics
Classification: Likely benign. Last evaluated: 2024-11-11. Review status: criteria provided, single submitter. Criteria: ACMG Guidelines, 2015. Collection method: clinical testing. Allele origin: germline.